The following is an entry in ClinVar:

NM_002227.4(JAK1):c.358A>G (p.Asn120Asp)

Gene: JAK1 (Janus kinase 1; minus strand). Cytogenetic location: 1p31.3.
Variant type: single nucleotide variant.
Coding change: c.358A>G on transcript NM_002227.4 (MANE Select); coding-DNA position 358, A replaced by G.
Protein change: p.Asn120Asp; replaces asparagine 120 with aspartic acid.
Molecular consequence: missense variant.
Genome position (GRCh38, 1-based): chr1:64,873,495, T>C on the plus strand (A>G on the coding strand, the complement: JAK1 is on the minus strand). VCF-style: chr1-64873495-T-C. GRCh37 (hg19) VCF-style: chr1-65339178-T-C.
Other names: c.358A>G, p.Asn120Asp (NM_001320923.2, NM_001321852.2, NM_001321853.2 and 4 more transcripts); short protein forms N120D.
Identifiers: ClinVar variation 3691739 (VCV003691739.2).

ClinVar aggregate classification (germline): Uncertain significance (1 of 4 stars; one submission).

gnomAD v4.1: 2 of 1,614,224 alleles (0.00012%); highest among the groups gnomAD compares: Non-Finnish European, 0.000085%; no homozygotes.

Submission:

Labcorp Genetics (formerly Invitae), Labcorp
Classification: Uncertain significance. Last evaluated: 2024-10-23. Review status: criteria provided, single submitter. Criteria: Invitae Variant Classification Sherloc (09022015). Collection method: clinical testing. Allele origin: germline.
Comment: This sequence change replaces asparagine, which is neutral and polar, with aspartic acid, which is acidic and polar, at codon 120 of the JAK1 protein (p.Asn120Asp). This variant is not present in population databases (gnomAD no frequency). This variant has not been reported in the literature in individuals affected with JAK1-related conditions. Invitae Evidence Modeling of protein sequence and biophysical properties (such as structural, functional, and spatial information, amino acid conservation, physicochemical variation, residue mobility, and thermodynamic stability) indicates that this missense variant is not expected to disrupt JAK1 protein function with a negative predictive value of 80%. In summary, the available evidence is currently insufficient to determine the role of this variant in disease. Therefore, it has been classified as a Variant of Uncertain Significance.